The following is an entry in ClinVar:

NM_001165963.4(SCN1A):c.1029-6T>C

Gene: SCN1A (sodium voltage-gated channel alpha subunit 1; minus strand). Cytogenetic location: 2q24.3.
Variant type: single nucleotide variant.
Coding change: c.1029-6T>C on transcript NM_001165963.4 (MANE Select); 6 bases into the intron before coding-DNA position 1029, T replaced by C.
Molecular consequence: intron variant.
Genome position (GRCh38, 1-based): chr2:166,047,774, A>G on the plus strand (T>C on the coding strand, the complement: SCN1A is on the minus strand). VCF-style: chr2-166047774-A-G. GRCh37 (hg19) VCF-style: chr2-166904284-A-G.
Other names: c.1029-6T>C (NM_001353949.2, NM_001353958.2, NM_001353950.2 and 10 more transcripts); c.-1397-6T>C (NM_001353961.2).
Identifiers: ClinVar variation 3365018 (VCV003365018.1).

ClinVar aggregate classification (germline): Uncertain significance (1 of 4 stars; one submission).

gnomAD v4.1: 1 of 1,613,244 alleles (0.000062%); highest among the groups gnomAD compares: Non-Finnish European, 0.000085%; no homozygotes.

Submission:

GeneDx
Classification: Uncertain significance. Last evaluated: 2023-12-02. Review status: criteria provided, single submitter. Criteria: GeneDx Variant Classification Process June 2021. Collection method: clinical testing. Allele origin: germline. Affected: yes.
Comment: In silico analysis is inconclusive as to whether the variant alters gene splicing. In the absence of RNA/functional studies, the actual effect of this sequence change is unknown.; Not observed at significant frequency in large population cohorts (gnomAD); Has not been previously published as pathogenic or benign to our knowledge